The following is an entry in ClinVar:

ClinVar aggregate classification (germline): Benign (1 of 4 stars; one submission).

Allele frequency attached by ClinVar (database versions not stated): gnomAD 0.03061 and 0.03296; 1000 Genomes Project 0.03195; TOPMed 0.03423; 1000 Genomes Project 30x 0.03498.
gnomAD v4.1: 4,618 of 152,202 alleles (3%); highest among the groups gnomAD compares: African/African-American, 11%; 258 homozygotes.

Submission:

GeneDx
Classification: Benign. Last evaluated: 2018-06-14. Review status: criteria provided, single submitter. Criteria: GeneDx Variant Classification (06012015). Collection method: clinical testing. Allele origin: germline. Affected: yes.
Comment: This variant is considered likely benign or benign based on one or more of the following criteria: it is a conservative change, it occurs at a poorly conserved position in the protein, it is predicted to be benign by multiple in silico algorithms, and/or has population frequency not consistent with disease.

NM_004415.4(DSP):c.170+300C>A

Genes: DSP (desmoplakin; plus strand), DSP-AS1 (DSP antisense RNA 1; minus strand). Cytogenetic location: 6p24.3.
Variant type: single nucleotide variant.
Coding change: c.170+300C>A on transcript NM_004415.4 (MANE Select); 300 bases into the intron after coding-DNA position 170, C replaced by A.
Molecular consequence: intron variant.
Genome position (GRCh38, 1-based): chr6:7,542,385, C>A. VCF-style: chr6-7542385-C-A. GRCh37 (hg19) VCF-style: chr6-7542618-C-A.
Other names: c.170+300C>A (NM_001319034.2, NM_001008844.3).
Identifiers: ClinVar variation 671135 (VCV000671135.1), dbSNP rs113128340, ClinGen allele CA133980615.
Genomic context (GRCh38, chr6:7,542,385, plus strand): 5'-CGGGCGGGTGGTCAGAGGGGGCGTCGGGCCCGCGCGGGGCTGTCCCCTGCCTGCTGGACA[C>A]GGCTGCAGCCGCCTTTGTCCCAGCCCGCGAATGGGAGGTCAGGCGAGGTGGGGCTGCGAC-3'